The following is an entry in ClinVar:

NM_012470.4(TNPO3):c.1969C>T (p.Arg657Trp)

Gene: TNPO3 (transportin 3; minus strand). Cytogenetic location: 7q32.1.
Variant type: single nucleotide variant.
Coding change: c.1969C>T on transcript NM_012470.4 (MANE Select); coding-DNA position 1969, C replaced by T.
Protein change: p.Arg657Trp; replaces arginine 657 with tryptophan.
Molecular consequence: missense variant. On other transcripts: non-coding transcript variant (14), intron variant (1).
Genome position (GRCh38, 1-based): chr7:128,979,075, G>A on the plus strand (C>T on the coding strand, the complement: TNPO3 is on the minus strand). VCF-style: chr7-128979075-G-A. GRCh37 (hg19) VCF-style: chr7-128619129-G-A.
Other names: c.1777C>T, p.Arg593Trp (NM_001191028.3, NM_001382223.1); c.2071C>T, p.Arg691Trp (NM_001382216.1); c.2050C>T, p.Arg684Trp (NM_001382217.1); c.1969C>T, p.Arg657Trp (NM_001382218.1); c.1861C>T, p.Arg621Trp (NM_001382219.1); c.1825C>T, p.Arg609Trp (NM_001382221.1); c.1822C>T, p.Arg608Trp (NM_001382222.1); c.1920+896C>T (NM_001382220.1); short protein forms R593W, R608W, R609W, R621W, R657W, R684W, R691W.
Identifiers: ClinVar variation 2437148 (VCV002437148.4), dbSNP rs773366551, ClinGen allele CA4478010.

ClinVar aggregate classification (germline): Uncertain significance. Review status: criteria provided, multiple submitters, no conflicts (2 of 4 stars). 2 submissions from 2 submitters: Uncertain significance (2). Last evaluated 2025-05-27.

Conditions:
Autosomal dominant limb-girdle muscular dystrophy type 1F (LGMDD2). Also called: MUSCULAR DYSTROPHY, LIMB-GIRDLE, AUTOSOMAL DOMINANT 2; Limb-girdle muscular dystrophy, type 1F. Identifiers: Orphanet 55595, MedGen C1842062, MONDO:0012034, OMIM 608423.

Allele frequency attached by ClinVar (database versions not stated): TOPMed below 0.00001; ExAC 0.00001; gnomAD 0.00001.
gnomAD v4.1: 9 of 1,614,078 alleles (0.00056%); highest among the groups gnomAD compares: Middle Eastern, 0.016%; no homozygotes.

Submissions (2):

Department of Paediatrics at Addenbrookes, Cambridge University Hospitals NHS Foundation Trust (UK)
Classification: Uncertain significance for Autosomal dominant limb-girdle muscular dystrophy type 1F. Last evaluated: 2025-05-27. Review status: criteria provided, single submitter. Criteria: Durkie Uk Practice Guidelines For Variant Classification V12 2024 (1). Collection method: clinical testing. Allele origin: unknown.
Comment: PM2_Moderate

Revvity Omics, Revvity
Classification: Uncertain significance for Autosomal dominant limb-girdle muscular dystrophy type 1F. Last evaluated: 2021-02-11. Review status: criteria provided, single submitter. Criteria: ACMG Guidelines, 2015. Collection method: clinical testing. Allele origin: germline.